The following is an entry in ClinVar:

ClinVar aggregate classification (germline): Uncertain significance. Review status: criteria provided, multiple submitters, no conflicts (2 of 4 stars). 2 submissions from 2 submitters: Uncertain significance (2). Last evaluated 2025-10-11.

Conditions:
Hereditary cancer-predisposing syndrome. Also called: Hereditary Cancer Syndrome; Tumor predisposition; Neoplastic Syndromes, Hereditary; Hereditary neoplastic syndrome. Identifiers: Orphanet 140162, MedGen C0027672, MeSH D009386, MONDO:0015356.

Allele frequency attached by ClinVar (database versions not stated): ExAC 0.00001; TOPMed 0.00001.
gnomAD v4.1: 5 of 1,614,076 alleles (0.00031%); highest among the groups gnomAD compares: South Asian, 0.0022%; no homozygotes.

Submissions (2):

Labcorp Genetics (formerly Invitae), Labcorp
Classification: Uncertain significance. Last evaluated: 2025-10-11. Review status: criteria provided, single submitter. Criteria: Invitae Variant Classification Sherloc (09022015). Collection method: clinical testing. Allele origin: germline.
Comment: This sequence change replaces arginine, which is basic and polar, with histidine, which is basic and polar, at codon 34 of the POLE protein (p.Arg34His). This variant is present in population databases (rs747005851, gnomAD 0.004%). This variant has not been reported in the literature in individuals affected with POLE-related conditions. ClinVar contains an entry for this variant (Variation ID: 1012625). Invitae Evidence Modeling of protein sequence and biophysical properties (such as structural, functional, and spatial information, amino acid conservation, physicochemical variation, residue mobility, and thermodynamic stability) indicates that this missense variant is expected to disrupt POLE protein function with a positive predictive value of 80%. In summary, the available evidence is currently insufficient to determine the role of this variant in disease. Therefore, it has been classified as a Variant of Uncertain Significance.

Ambry Genetics
Classification: Uncertain significance for Hereditary cancer-predisposing syndrome. Last evaluated: 2024-12-31. Review status: criteria provided, single submitter. Criteria: Ambry Variant Classification Scheme 2023. Collection method: clinical testing. Allele origin: germline.
Comment: The p.R34H variant (also known as c.101G>A), located in coding exon 2 of the POLE gene, results from a G to A substitution at nucleotide position 101. The arginine at codon 34 is replaced by histidine, an amino acid with highly similar properties. This amino acid position is highly conserved in available vertebrate species. In addition, the in silico prediction for this alteration is inconclusive. Based on the available evidence, the clinical significance of this variant remains unclear.

NM_006231.4(POLE):c.101G>A (p.Arg34His)

Gene: POLE (DNA polymerase epsilon, catalytic subunit; minus strand). Cytogenetic location: 12q24.33.
Variant type: single nucleotide variant.
Coding change: c.101G>A on transcript NM_006231.4 (MANE Select); coding-DNA position 101, G replaced by A.
Protein change: p.Arg34His; replaces arginine 34 with histidine.
Molecular consequence: missense variant.
Genome position (GRCh38, 1-based): chr12:132,681,241, C>T on the plus strand (G>A on the coding strand, the complement: POLE is on the minus strand). VCF-style: chr12-132681241-C-T. GRCh37 (hg19) VCF-style: chr12-133257827-C-T.
Other names: c.101G>A (NM_006231.2); short protein forms R34H.
Identifiers: ClinVar variation 1012625 (VCV001012625.55), dbSNP rs747005851, ClinGen allele CA6894446.